The following is an entry in ClinVar:

NM_001251845.2(TRPC1):c.970C>T (p.Gln324Ter)

Gene: TRPC1 (transient receptor potential cation channel subfamily C member 1; plus strand). Cytogenetic location: 3q23.
Variant type: single nucleotide variant.
Coding change: c.970C>T on transcript NM_001251845.2 (MANE Select); coding-DNA position 970, C replaced by T.
Protein change: p.Gln324Ter; replaces glutamine 324 with a stop codon.
Molecular consequence: nonsense.
Genome position (GRCh38, 1-based): chr3:142,784,713, C>T. VCF-style: chr3-142784713-C-T. GRCh37 (hg19) VCF-style: chr3-142503555-C-T.
Other names: c.868C>T, p.Gln290Ter (NM_003304.5); short protein forms Q290*, Q324*.
Identifiers: ClinVar variation 161610 (VCV000161610.2), dbSNP rs193920786, ClinGen allele CA174444.

ClinVar aggregate classification (germline): Uncertain significance (0 of 4 stars; one submission).

Conditions:
Prostate cancer. Also called: Malignant tumor of prostate. Identifiers: Orphanet 1331, MedGen C0376358, MONDO:0008315, HP:0012125.

Submission:

Science for Life laboratory,  Karolinska Institutet
Classification: Uncertain significance for Malignant tumor of prostate. Review status: no assertion criteria provided. Collection method: not provided. Allele origin: somatic.
Comment: TumorID:SWE-10
ClinVar note: Converted during submission from Unknown to Uncertain significance.